The following is an entry in ClinVar:

NM_001367624.2(ZNF469):c.3171GAA[1] (p.Lys1058del)

Genes: ZNF469 (zinc finger protein 469; plus strand), LOC130059718 (ATAC-STARR-seq lymphoblastoid silent region 7847; plus strand). Cytogenetic location: 16q24.2.
Variant type: Microsatellite.
Coding change: c.3171GAA[1] on transcript NM_001367624.2 (MANE Select); one copy of the 3-base unit GAA starting at c.3171; the reference has two copies in a row; one copy, 3 bases deleted.
Protein change: p.Lys1058del; deletes lysine 1058.
Molecular consequence: inframe deletion.
Genome position (GRCh38, 1-based): chr16:88,430,644-88,430,646, GAA deleted; deleting any 3 consecutive bases within chr16:88,430,640-88,430,646 gives the same sequence; the position shown is the placement nearest the transcript's 3' end. VCF-style (leftmost placement, unchanged base first): chr16-88430639-CAGA-C. GRCh37 (hg19) VCF-style: chr16-88497047-CAGA-C.
Other names: NM_001127464.1:c.3174_3176delGAA; short protein forms K1058del.
Identifiers: ClinVar variation 3821085 (VCV003821085.1).
Genomic context (GRCh38, chr16:88,430,639, plus strand): 5'-AGGAAGAGGAAGGCTCGGGGCGGCGCCTGGGGCAAGGAGCTCATTCTGAAGATCGTGCAG[CAGA>C]AGAACAGGCGCCACCGGCGGCTGGGGCGGCGGGCGGGCAGGTGCGGCTCCCTGGCGGCGG-3'

ClinVar aggregate classification (germline): Uncertain significance (1 of 4 stars; one submission).

Conditions:
Cardiovascular phenotype. Identifiers: MedGen CN230736.

Submission:

Ambry Genetics
Classification: Uncertain significance for Cardiovascular phenotype. Last evaluated: 2024-12-18. Review status: criteria provided, single submitter. Criteria: Ambry Variant Classification Scheme 2023. Collection method: clinical testing. Allele origin: germline.
Comment: The c.3174_3176delGAA variant (also known as p.K1058del) is located in coding exon 1 of the ZNF469 gene. This variant results from an in-frame GAA deletion at nucleotide positions 3174 to 3176. This results in the in-frame deletion of a lysine at codon 1058. This amino acid position is well conserved in available vertebrate species. In addition, this alteration is predicted to be deleterious by in silico analysis (Choi Y et al. PLoS ONE. 2012; 7(10):e46688). Based on the available evidence, the clinical significance of this variant remains unclear.